The following is an entry in ClinVar:

ClinVar aggregate classification (germline): Uncertain significance (1 of 4 stars; one submission).

Conditions:
GNE myopathy (NM). Also called: INCLUSION BODY MYOPATHY, HEREDITARY, AUTOSOMAL RECESSIVE; INCLUSION BODY MYOPATHY 2, AUTOSOMAL RECESSIVE; MYOPATHY, DISTAL, WITH OR WITHOUT RIMMED VACUOLES; NONAKA DISTAL MYOPATHY; IBM 2; Inclusion body myopathy autosomal recessive. Identifiers: Orphanet 602, MedGen C1853926, MONDO:0011603, OMIM 605820.
Sialuria. Also called: Sialic Acid Storage Disease; SIALURIA, FRENCH TYPE. Identifiers: Orphanet 3166, MedGen C0342853, MONDO:0010028, OMIM 269921.

Allele frequency attached by ClinVar (database versions not stated): gnomAD exomes below 0.00001.
gnomAD v4.1: 2 of 1,614,016 alleles (0.00012%); highest among the groups gnomAD compares: Middle Eastern, 0.016%; no homozygotes.

Submission:

Labcorp Genetics (formerly Invitae), Labcorp
Classification: Uncertain significance for Sialuria; GNE myopathy. Last evaluated: 2022-02-03. Review status: criteria provided, single submitter. Criteria: Invitae Variant Classification Sherloc (09022015). Collection method: clinical testing. Allele origin: germline.
Comment: This sequence change replaces isoleucine, which is neutral and non-polar, with asparagine, which is neutral and polar, at codon 232 of the GNE protein (p.Ile232Asn). This variant is not present in population databases (gnomAD no frequency). This variant has not been reported in the literature in individuals affected with GNE-related conditions. ClinVar contains an entry for this variant (Variation ID: 963089). Advanced modeling of protein sequence and biophysical properties (such as structural, functional, and spatial information, amino acid conservation, physicochemical variation, residue mobility, and thermodynamic stability) performed at Invitae indicates that this missense variant is expected to disrupt GNE protein function. In summary, the available evidence is currently insufficient to determine the role of this variant in disease. Therefore, it has been classified as a Variant of Uncertain Significance.

NM_005476.7(GNE):c.602T>A (p.Ile201Asn)

Gene: GNE (glucosamine (UDP-N-acetyl)-2-epimerase/N-acetylmannosamine kinase; minus strand). Cytogenetic location: 9p13.3.
Variant type: single nucleotide variant.
Coding change: c.602T>A on transcript NM_005476.7 (MANE Select); coding-DNA position 602, T replaced by A.
Protein change: p.Ile201Asn; replaces isoleucine 201 with asparagine.
Molecular consequence: missense variant.
Genome position (GRCh38, 1-based): chr9:36,246,045, A>T on the plus strand (T>A on the coding strand, the complement: GNE is on the minus strand). VCF-style: chr9-36246045-A-T. GRCh37 (hg19) VCF-style: chr9-36246042-A-T.
Other names: c.695T>A, p.Ile232Asn (NM_001128227.3); c.602T>A, p.Ile201Asn (NM_001190383.3, NM_001374797.1); c.425T>A, p.Ile142Asn (NM_001190384.3, NM_001190388.2, NM_001374798.1); short protein forms I142N, I201N, I232N.
Identifiers: ClinVar variation 963089 (VCV000963089.10), dbSNP rs1829857314, ClinGen allele CA373417987.